The following is an entry in ClinVar:

NM_006035.4(CDC42BPB):c.3059G>A (p.Gly1020Glu)

Gene: CDC42BPB (CDC42 binding protein kinase beta; minus strand). Cytogenetic location: 14q32.32.
Variant type: single nucleotide variant.
Coding change: c.3059G>A on transcript NM_006035.4 (MANE Select); coding-DNA position 3059, G replaced by A.
Protein change: p.Gly1020Glu; replaces glycine 1020 with glutamic acid.
Molecular consequence: missense variant. On other transcripts: intron variant (1).
Genome position (GRCh38, 1-based): chr14:102,954,205, C>T on the plus strand (G>A on the coding strand, the complement: CDC42BPB is on the minus strand). VCF-style: chr14-102954205-C-T. GRCh37 (hg19) VCF-style: chr14-103420542-C-T.
Other names: c.2988+397G>A (NM_001411054.1); short protein forms G1020E.
Identifiers: ClinVar variation 3908066 (VCV003908066.1).
Genomic context (GRCh38, chr14:102,954,205, plus strand): 5'-AATAAACAACTAAATAACTAAGAAGGCGCCCCGGGTGAAAGCAAGGCCCCTACCTTCGGT[C>T]CAGCCAGAGCCAGGGCCTGCGTGGTGGGCAACGGCACAGCGGATGGCCTCTGCGGGGGCC-3'
Protein context (NP_006026.3, residues 1010-1030): LPTTQALALA[Gly1020Glu]PKPKAHQFSI

ClinVar aggregate classification (germline): Uncertain significance (1 of 4 stars; one submission).

Submission:

GeneDx
Classification: Uncertain significance. Last evaluated: 2024-12-27. Review status: criteria provided, single submitter. Criteria: GeneDx Variant Classification Process June 2021. Collection method: clinical testing. Allele origin: germline. Affected: yes.
Comment: Not observed at significant frequency in large population cohorts (gnomAD); In silico analysis indicates that this missense variant does not alter protein structure/function; Has not been previously published as pathogenic or benign to our knowledge